The following is an entry in ClinVar:

ClinVar aggregate classification (germline): Pathogenic. Review status: reviewed by expert panel (3 of 4 stars). 2 submissions from 2 submitters: Pathogenic (1). 1 of the submissions does not count toward it. Last evaluated 2016-10-18.

Conditions:
Breast-ovarian cancer, familial, susceptibility to, 1 (BROVCA1). Also called: BRCA1 Hereditary Breast and Ovarian Cancer; OVARIAN CANCER, SUSCEPTIBILITY TO. Identifiers: Orphanet 145, MedGen C2676676, MONDO:0011450, OMIM 604370. Disease mechanism: loss of function.

Submissions (2):

Evidence-based Network for the Interpretation of Germline Mutant Alleles (ENIGMA)
Classification: Pathogenic for Breast-ovarian cancer, familial, susceptibility to, 1. Last evaluated: 2016-10-18. Review status: reviewed by expert panel. Criteria: ENIGMA BRCA1/2 Classification Criteria (2015). Collection method: curation. Allele origin: germline.
Comment: Variant allele predicted to encode a truncated non-functional protein.

Consortium of Investigators of Modifiers of BRCA1/2 (CIMBA), c/o University of Cambridge
Classification: Pathogenic for Breast-ovarian cancer, familial, susceptibility to, 1. Last evaluated: 2015-10-02. Review status: criteria provided, single submitter. Criteria: CIMBA Mutation Classification guidelines May 2016. Collection method: clinical testing. Allele origin: germline. Not counted in ClinVar's aggregate classification.

NM_007294.4(BRCA1):c.4397_4398insA (p.Ser1466fs)

Gene: BRCA1 (BRCA1 DNA repair associated; minus strand). Cytogenetic location: 17q21.31.
Variant type: Insertion.
Coding change: c.4397_4398insA on transcript NM_007294.4 (MANE Select); coding-DNA positions 4397 to 4398, A inserted.
Protein change: p.Ser1466fs; shifts the reading frame from serine 1466.
Molecular consequence: frameshift variant. On other transcripts: non-coding transcript variant (1).
Genome position: GRCh38 VCF-style: chr17-43076574-G-GT. GRCh37 (hg19) VCF-style: chr17-41228591-G-GT.
Other names: 4516_4517insA; c.4184_4185insA, p.Ser1395Argfs (NM_001407571.1, NM_001407894.1, NM_001407895.1 and 12 more transcripts); c.4463_4464insA, p.Ser1488Argfs (NM_001407581.1, NM_001407582.1); c.4460_4461insA, p.Ser1487Argfs (NM_001407583.1, NM_001407585.1, NM_001407587.1); c.4457_4458insA, p.Ser1486Argfs (NM_001407590.1, NM_001407591.1); c.4397_4398insA, p.Ser1466Argfs (NM_001407593.1, NM_001407594.1, NM_001407596.1 and 8 more transcripts); c.4394_4395insA, p.Ser1465Argfs (NM_001407610.1, NM_001407611.1, NM_001407612.1 and 17 more transcripts); c.4391_4392insA, p.Ser1464Argfs (NM_001407627.1, NM_001407628.1, NM_001407629.1 and 14 more transcripts); and 72 more; short protein forms S362fs, S1419fs, S1466fs, S1487fs.
Identifiers: ClinVar variation 266474 (VCV000266474.6), dbSNP rs886040229, ClinGen allele CA10589665.